The following is an entry in ClinVar:

ClinVar aggregate classification (germline): Uncertain significance. Review status: criteria provided, multiple submitters, no conflicts (2 of 4 stars). 2 submissions from 2 submitters: Uncertain significance (2). Last evaluated 2023-04-03.

Conditions:
Familial thoracic aortic aneurysm and aortic dissection (TAAD). Also called: Thoracic aortic aneurysms and dissections. Identifiers: Orphanet 91387, MedGen C4707243, MONDO:0019625.

Submissions (2):

All of Us Research Program, National Institutes of Health
Classification: Uncertain significance for Familial thoracic aortic aneurysm and aortic dissection. Last evaluated: 2023-04-03. Review status: criteria provided, single submitter. Criteria: ACMG Guidelines, 2015. Collection method: clinical testing. Allele origin: germline. Inheritance: Autosomal dominant inheritance. Observed: 1 variant allele, 1 heterozygote.
Comment: This missense variant replaces glutamic acid with valine at codon 1395 of the MYH11 protein. Computational prediction suggests that this variant may have deleterious impact on protein structure and function (internally defined REVEL score threshold >= 0.7, PMID: 27666373). To our knowledge, functional studies have not been reported for this variant. This variant has not been reported in individuals affected with MYH11-related disorders in the literature. This variant has not been identified in the general population by the Genome Aggregation Database (gnomAD). The available evidence is insufficient to determine the role of this variant in disease conclusively. Therefore, this variant is classified as a Variant of Uncertain Significance.

This study involves interpretation of variants in research participants for the purpose of population health screening. Participant phenotype was not available at the time of variant classification. Additional details can be found in publication PMID: 35346344, PMCID: PMC8962531

Color Diagnostics, LLC DBA Color Health
Classification: Uncertain significance for Familial thoracic aortic aneurysm and aortic dissection. Last evaluated: 2022-11-06. Review status: criteria provided, single submitter. Criteria: ACMG Guidelines, 2015. Collection method: clinical testing. Allele origin: germline.
Comment: This missense variant replaces glutamic acid with valine at codon 1395 of the MYH11 protein. Computational prediction suggests that this variant may have deleterious impact on protein structure and function (internally defined REVEL score threshold >= 0.7, PMID: 27666373). To our knowledge, functional studies have not been reported for this variant. This variant has not been reported in individuals affected with MYH11-related disorders in the literature. This variant has not been identified in the general population by the Genome Aggregation Database (gnomAD). The available evidence is insufficient to determine the role of this variant in disease conclusively. Therefore, this variant is classified as a Variant of Uncertain Significance.

NM_002474.3(MYH11):c.4163A>T (p.Glu1388Val)

Genes: MYH11 (myosin heavy chain 11; minus strand), NDE1 (nudE neurodevelopment protein 1; plus strand). Cytogenetic location: 16p13.11.
Variant type: single nucleotide variant.
Coding change: c.4163A>T on transcript NM_002474.3 (MANE Select); coding-DNA position 4163, A replaced by T.
Protein change: p.Glu1388Val; replaces glutamic acid 1388 with valine.
Molecular consequence: missense variant. On other transcripts: 3 prime UTR variant (2).
Genome position (GRCh38, 1-based): chr16:15,724,363, T>A on the plus strand (A>T on the coding strand, the complement: MYH11 is on the minus strand). VCF-style: chr16-15724363-T-A. GRCh37 (hg19) VCF-style: chr16-15818220-T-A.
Other names: c.4184A>T, p.Glu1395Val (NM_001040113.2, NM_001040114.2); c.4163A>T, p.Glu1388Val (NM_022844.3); c.*112T>A (NM_001143979.2, NM_017668.3); short protein forms E1388V, E1395V.
Identifiers: ClinVar variation 2773814 (VCV002773814.3), dbSNP rs2506141526, ClinGen allele CA394857454.